The following is an entry in ClinVar:

NM_000535.7(PMS2):c.215G>A (p.Gly72Glu)

Gene: PMS2 (PMS1 homolog 2, mismatch repair system component; minus strand). Cytogenetic location: 7p22.1.
Variant type: single nucleotide variant.
Coding change: c.215G>A on transcript NM_000535.7 (MANE Select); coding-DNA position 215, G replaced by A.
Protein change: p.Gly72Glu; replaces glycine 72 with glutamic acid.
Molecular consequence: missense variant. On other transcripts: 5 prime UTR variant (44), non-coding transcript variant (1), intron variant (1).
Genome position (GRCh38, 1-based): chr7:6,004,007, C>T on the plus strand (G>A on the coding strand, the complement: PMS2 is on the minus strand). VCF-style: chr7-6004007-C-T. GRCh37 (hg19) VCF-style: chr7-6043638-C-T.
Other names: p.G72E:GGA>GAA; c.215G>A, p.Gly72Glu (NM_001406870.1, NM_001406871.1, NM_001406872.1 and 10 more transcripts); c.-270G>A (NM_001406875.1, NM_001406877.1, NM_001406878.1 and 3 more transcripts); c.-1G>A (NM_001406876.1, NM_001406883.1, NM_001322007.2 and 4 more transcripts); c.-217G>A (NM_001406880.1); c.-167G>A (NM_001406881.1, NM_001406900.1); c.-191G>A (NM_001406887.1, NM_001406891.1, NM_001018040.1 and 14 more transcripts); c.-138G>A (NM_001406888.1, NM_001406889.1, NM_001406892.1 and 6 more transcripts); and 4 more; short protein forms G72E, G134E.
Identifiers: ClinVar variation 182808 (VCV000182808.35), dbSNP rs730881915, ClinGen allele CA010938.

ClinVar aggregate classification (germline): Conflicting classifications of pathogenicity. Review status: criteria provided, conflicting classifications (1 of 4 stars). 11 submissions from 11 submitters: Pathogenic (2); Likely pathogenic (5); Uncertain significance (3). 1 of the submissions does not count toward it. Last evaluated 2026-06-19.

Conditions:
Hereditary nonpolyposis colon cancer (HNPCC). Also called: Hereditary Nonpolyposis Colorectal Cancer Syndrome; Hereditary nonpolyposis colorectal cancer; Familial nonpolyposis colon cancer. Identifiers: Orphanet 443909, MedGen C1333990, MONDO:0018630. Disease mechanism: loss of function.
Hereditary nonpolyposis colorectal neoplasms. Identifiers: MedGen C0009405, MeSH D003123.
Hereditary cancer-predisposing syndrome. Also called: Neoplastic Syndromes, Hereditary; Tumor predisposition; Hereditary neoplastic syndrome; Hereditary Cancer Syndrome. Identifiers: Orphanet 140162, MedGen C0027672, MeSH D009386, MONDO:0015356.
Hereditary breast ovarian cancer syndrome. Also called: Hereditary breast and ovarian cancer syndrome (HBOC); Hereditary breast and ovarian cancer syndrome; Breast and ovarian cancer; Hereditary breast and ovarian cancer; Hereditary breast and/or ovarian cancer syndrome; BRCA1- and BRCA2-Associated Hereditary Breast and Ovarian Cancer. Identifiers: Orphanet 145, MedGen C0677776, MeSH D061325, MONDO:0003582. Disease mechanism: loss of function.
Lynch syndrome. Identifiers: Orphanet 144, MedGen C4552100, MONDO:0005835. Disease mechanism: loss of function.
Lynch syndrome 4 (LYNCH4). Also called: Colorectal cancer, hereditary nonpolyposis, type 4; Hereditary non-polyposis colorectal cancer, type 4. Identifiers: Orphanet 144, MedGen C1838333, MONDO:0013699, OMIM 614337. Disease mechanism: loss of function.

Allele frequency attached by ClinVar (database versions not stated): gnomAD 0.00001; gnomAD exomes below 0.00001; TOPMed 0.00001.
gnomAD v4.1: 2 of 1,605,736 alleles (0.00012%); highest among the groups gnomAD compares: South Asian, 0.0011%; no homozygotes.

Submissions 1 to 7 of 11:

Women's Health and Genetics/Laboratory Corporation of America, LabCorp
Classification: Likely pathogenic for Hereditary nonpolyposis colon cancer. Last evaluated: 2026-06-19. Review status: criteria provided, single submitter. Criteria: LabCorp Variant Classification Summary - May 2015. Collection method: clinical testing. Allele origin: germline.
Comment: Variant summary: PMS2 c.215G>A (p.Gly72Glu) results in a non-conservative amino acid change in the encoded protein sequence. Algorithms developed to predict the effect of missense changes on protein structure and function all suggest that this variant is likely to be disruptive. The variant was absent in 250824 control chromosomes. c.215G>A has been observed in individual(s) affected with Lynch Syndrome-related Cancer (Pearlman_2017, Gordon_2019, internal data, external communication). These data indicate that the variant is likely to be associated with disease. To our knowledge, no experimental evidence demonstrating an impact on protein function has been reported. The following publications have been ascertained in the context of this evaluation (PMID: 31422818, 27978560). ClinVar contains an entry for this variant (Variation ID: 182808). Based on the evidence outlined above, the variant was classified as likely pathogenic.

German Consortium for Hereditary Breast and Ovarian Cancer, University Hospital Cologne
Classification: Likely pathogenic for Hereditary breast ovarian cancer syndrome. Last evaluated: 2026-04-14. Review status: criteria provided, single submitter. Criteria: ClinGen PMS2 V1.0.0. Collection method: curation. Allele origin: germline.
Comment: This classification follows the ClinGen InSiGHT ACMG PMS2 v1.0.0 classification scheme; -->Table 3: carcinoma from LS spectrum at age < 25: 3 points = CMMRD feature meats PM3 criteria, PP3 (medium pathogenic): MAPP/PP2 Prior P 0.9686, PP4 (medium pathogenic): This alteration has been observed in several individuals whose colorectal tumors demonstrated high microsatellite instability and/or loss of PMS2 expression on immunohistochemistry (IHC); however, this alteration has also been observed in an individual whose colorectal tumor was microsatellite stable and demonstrated normal mismatch repair protein expression on IHC (Li S et al. J. Med. Genet. 2020 Jan;57:62-69; Ambry internal data; Pearlman R et al. JAMA Oncol. 2017 Apr;3:464-471).

Labcorp Genetics (formerly Invitae), Labcorp
Classification: Pathogenic for Hereditary nonpolyposis colorectal neoplasms. Last evaluated: 2025-11-17. Review status: criteria provided, single submitter. Criteria: Invitae Variant Classification Sherloc (09022015). Collection method: clinical testing. Allele origin: germline.
Comment: This sequence change replaces glycine, which is neutral and non-polar, with glutamic acid, which is acidic and polar, at codon 72 of the PMS2 protein (p.Gly72Glu). This variant is not present in population databases (gnomAD no frequency). This missense change has been observed in individuals with colorectal cancer and uterine cancer (PMID: 27978560; internal data). ClinVar contains an entry for this variant (Variation ID: 182808). Invitae Evidence Modeling incorporating data from in vitro experimental studies (internal data) indicates that this missense variant is expected to disrupt PMS2 function with a positive predictive value of 95%. For these reasons, this variant has been classified as Pathogenic.

Color Diagnostics, LLC DBA Color Health
Classification: Likely pathogenic for Hereditary cancer-predisposing syndrome. Last evaluated: 2025-08-19. Review status: criteria provided, single submitter. Criteria: ACMG Guidelines, 2015. Collection method: clinical testing. Allele origin: germline.
Comment: This missense variant replaces glycine with glutamic acid at codon 72 in the ATPase domain of the PMS2 protein. Computational prediction suggests that this variant may have deleterious impact on protein structure and function. To our knowledge, functional studies have not been reported for this variant. This variant has been reported in multiple individuals affected with colorectal cancer or Lynch syndrome-associated cancer, with some tumors confirmed as demonstrating loss of PMS2 protein expression via immunohistochemistry and/or high microsatellite instability (PMID: 27978560ClinVar: SCV000674263.4, SCV001507200.4). Of note, this variant was also detected in one individual affected with colorectal cancer who exhibited normal immunohistochemistry and microsatellite stability (ClinVar: SCV000674263.4). This variant has not been identified in the general population by the Genome Aggregation Database (gnomAD). Based on the available evidence, this variant is classified as Likely Pathogenic.

Quest Diagnostics Nichols Institute San Juan Capistrano
Classification: Likely pathogenic. Last evaluated: 2025-05-27. Review status: criteria provided, single submitter. Criteria: Quest Diagnostics criteria. Collection method: clinical testing. Allele origin: unknown.
Comment: The PMS2 c.215G>A (p.Gly72Glu) variant has been reported in the published literature in individuals with a Lynch syndrome associated cancer (PMID: 27978560 (2016), internal data from Ambry at ClinVar: SCV000674263.6, internal data from GeneDx at ClinVar: SCV000211585.16). The frequency of this variant in the general population (Genome Aggregation Database) is consistent with pathogenicity. Analysis of this variant using bioinformatics tools for the prediction of the effect of amino acid changes on protein structure and function yielded predictions that this variant is damaging. Based on the available information, this variant is classified as likely pathogenic.

Ambry Genetics
Classification: Pathogenic for Hereditary cancer-predisposing syndrome. Last evaluated: 2024-10-25. Review status: criteria provided, single submitter. Criteria: Ambry Variant Classification Scheme 2023. Collection method: clinical testing. Allele origin: germline.
Comment: The p.G72E pathogenic mutation (also known as c.215G>A), located in coding exon 3 of the PMS2 gene, results from a G to A substitution at nucleotide position 215. The glycine at codon 72 is replaced by glutamic acid, an amino acid with similar properties. This alteration has been observed in several individuals whose colorectal tumors demonstrated high microsatellite instability and/or loss of PMS2 expression on immunohistochemistry (IHC); however, this alteration has also been observed in an individual whose colorectal tumor was microsatellite stable and demonstrated normal mismatch repair protein expression on IHC (Li S et al. J. Med. Genet. 2020 Jan;57:62-69; Ambry internal data; Pearlman R et al. JAMA Oncol. 2017 Apr;3:464-471). Based on internal structural analysis using published crystal structures, this alteration leads to destabilization of the N-terminal ATPase domain (Guarn&eacute; A et al. EMBO J. 2001 Oct;20:5521-31). This alteration was not reported in population-based cohorts in the Genome Aggregation Database (gnomAD). This amino acid position is highly conserved in available vertebrate species. In addition, this alteration is predicted to be deleterious by in silico analysis. Based on the supporting evidence, this variant is interpreted as a disease-causing mutation.

Baylor Genetics
Classification: Uncertain significance for Lynch syndrome 4. Last evaluated: 2023-12-25. Review status: criteria provided, single submitter. Criteria: ACMG Guidelines, 2015. Collection method: clinical testing. Allele origin: unknown.